The following is an entry in ClinVar:

NM_001271.4(CHD2):c.2864C>G (p.Ser955Ter)

Gene: CHD2 (chromodomain helicase DNA binding protein 2; plus strand). Cytogenetic location: 15q26.1.
Variant type: single nucleotide variant.
Coding change: c.2864C>G on transcript NM_001271.4 (MANE Select); coding-DNA position 2864, C replaced by G.
Protein change: p.Ser955Ter; replaces serine 955 with a stop codon.
Molecular consequence: nonsense.
Genome position (GRCh38, 1-based): chr15:92,979,271, C>G. VCF-style: chr15-92979271-C-G. GRCh37 (hg19) VCF-style: chr15-93522501-C-G.
Other names: short protein forms S955*.
Identifiers: ClinVar variation 2020116 (VCV002020116.4), dbSNP rs2505545666, ClinGen allele CA393894308.
Genomic context (GRCh38, chr15:92,979,271, plus strand): 5'-TAGATCATCTGGTGATTCAGCGCATGGACACCACTGGCCGGACGATCCTGGAAAACAACT[C>G]AGGAAGGTCCAAGTAAGTGCCAGGAAGATTGGGAGGTAGGCAGAATCAAATTGATTCTAC-3'

ClinVar aggregate classification (germline): Pathogenic (1 of 4 stars; one submission).

Conditions:
Developmental and epileptic encephalopathy 94 (DEE94). Also called: Epileptic encephalopathy, childhood-onset; CHD2-Related Neurodevelopmental Disorders. Identifiers: Orphanet 1942, Orphanet 2382, MedGen C3809278, MONDO:0014150, OMIM 615369.

Submission:

Labcorp Genetics (formerly Invitae), Labcorp
Classification: Pathogenic for Developmental and epileptic encephalopathy 94. Last evaluated: 2022-07-29. Review status: criteria provided, single submitter. Criteria: Invitae Variant Classification Sherloc (09022015). Collection method: clinical testing. Allele origin: germline.
Comment: This sequence change creates a premature translational stop signal (p.Ser955*) in the CHD2 gene. It is expected to result in an absent or disrupted protein product. Loss-of-function variants in CHD2 are known to be pathogenic (PMID: 23708187, 24207121). This variant is not present in population databases (gnomAD no frequency). This variant has not been reported in the literature in individuals affected with CHD2-related conditions. For these reasons, this variant has been classified as Pathogenic.

Literature cited by the submitters: PubMed 23708187; PubMed 24207121.